The following is an entry in ClinVar:

ClinVar aggregate classification (germline): Uncertain significance (1 of 4 stars; one submission).

Conditions:
Peroxisome biogenesis disorder 2B (PBD2B). Identifiers: Orphanet 44, MedGen C3550234, MONDO:0008736, OMIM 202370.

Submission:

Labcorp Genetics (formerly Invitae), Labcorp
Classification: Uncertain significance for Peroxisome biogenesis disorder 2B. Last evaluated: 2022-08-22. Review status: criteria provided, single submitter. Criteria: Invitae Variant Classification Sherloc (09022015). Collection method: clinical testing. Allele origin: germline.
Comment: This sequence change replaces serine, which is neutral and polar, with cysteine, which is neutral and slightly polar, at codon 231 of the PEX5 protein (p.Ser231Cys). In summary, the available evidence is currently insufficient to determine the role of this variant in disease. Therefore, it has been classified as a Variant of Uncertain Significance. Algorithms developed to predict the effect of missense changes on protein structure and function (SIFT, PolyPhen-2, Align-GVGD) all suggest that this variant is likely to be tolerated. This variant has not been reported in the literature in individuals affected with PEX5-related conditions. This variant is not present in population databases (gnomAD no frequency).

NM_001351132.2(PEX5):c.692C>G (p.Ser231Cys)

Gene: PEX5 (peroxisomal biogenesis factor 5; plus strand). Cytogenetic location: 12p13.31.
Variant type: single nucleotide variant.
Coding change: c.692C>G on transcript NM_001351132.2 (MANE Select); coding-DNA position 692, C replaced by G.
Protein change: p.Ser231Cys; replaces serine 231 with cysteine.
Molecular consequence: missense variant. On other transcripts: intron variant (15).
Genome position (GRCh38, 1-based): chr12:7,202,290, C>G. VCF-style: chr12-7202290-C-G. GRCh37 (hg19) VCF-style: chr12-7354886-C-G.
Other names: c.692C>G, p.Ser231Cys (NM_000319.5, NM_001131025.2, NM_001131026.2 and 6 more transcripts); c.737C>G, p.Ser246Cys (NM_001131023.2); c.643-322C>G (NM_001351124.3, NM_001351126.2, NM_001374646.1 and 10 more transcripts); c.688-322C>G (NM_001351135.3, NM_001351138.2); short protein forms S231C, S246C.
Identifiers: ClinVar variation 1717680 (VCV001717680.5), dbSNP rs2540146643, ClinGen allele CA383722698.